The following is an entry in ClinVar:

ClinVar aggregate classification (germline): Pathogenic (1 of 4 stars; one submission).

Conditions:
Microcephaly with or without chorioretinopathy, lymphedema, or impaired intellectual development. Also called: MICROCEPHALY, LYMPHEDEMA, CHORIORETINAL DYSPLASIA SYNDROME; Microcephaly lymphedema chorioretinal dysplasia; MICROCEPHALY AND CHORIORETINOPATHY WITH OR WITHOUT MENTAL RETARDATION, AUTOSOMAL DOMINANT; Microcephaly with or without chorioretinopathy, lymphedema, or mental retardation; Microcephaly with or without chorioretinopathy, lymphedema, or intellectual disability. Identifiers: Orphanet 2526, MedGen C1835265, MONDO:0007918, OMIM 152950.

Submission:

Victorian Clinical Genetics Services, Murdoch Childrens Research Institute
Classification: Pathogenic for Microcephaly with or without chorioretinopathy, lymphedema, or impaired intellectual development. Last evaluated: 2025-11-27. Review status: criteria provided, single submitter. Criteria: ACMG Guidelines, 2015. Collection method: clinical testing. Allele origin: germline. Affected: yes.
Comment: This variant is classified as Pathogenic. Evidence in support of pathogenic classification: Variant is predicted to cause nonsense-mediated decay (NMD) and loss of protein (premature termination codon is located at least 54 nucleotides upstream of the final exon-exon junction); Variant is absent from gnomAD (v2, v3 and v4); This variant has limited previous evidence of pathogenicity in unrelated individuals. This variant has been reported in an individual with microcephaly with or without chorioretinopathy, lymphoedema, or intellectual disability (PMID: 22284827); Other NMD-predicted variants comparable to the one identified in this case have very strong previous evidence for pathogenicity (DECIPHER). Additional information: This variant is heterozygous; This gene is associated with autosomal dominant disease; No published evidence of segregation with disease has been identified for this variant; No published functional evidence has been identified for this variant; Loss of function is a known mechanism of disease in this gene and is associated with microcephaly with or without chorioretinopathy, lymphoedema, or intellectual disability (MIM#152950). The mechanism of disease for missense variants is unclear; The condition associated with this gene has incomplete penetrance (PMID: 27212378); Variants in this gene are known to have variable expressivity (OMIM).

Literature cited by the submitters: PubMed 27212378; PubMed 22284827.

NM_004523.4(KIF11):c.1804C>T (p.Gln602Ter)

Gene: KIF11 (kinesin family member 11; plus strand). Cytogenetic location: 10q23.33.
Variant type: single nucleotide variant.
Coding change: c.1804C>T on transcript NM_004523.4 (MANE Select); coding-DNA position 1804, C replaced by T.
Protein change: p.Gln602Ter; replaces glutamine 602 with a stop codon.
Molecular consequence: nonsense.
Genome position (GRCh38, 1-based): chr10:92,633,724, C>T. VCF-style: chr10-92633724-C-T. GRCh37 (hg19) VCF-style: chr10-94393481-C-T.
Other names: short protein forms Q602*.
Identifiers: ClinVar variation 4818938 (VCV004818938.1).